The following is an entry in ClinVar:

ClinVar aggregate classification (germline): Uncertain significance (1 of 4 stars; one submission).

Allele frequency attached by ClinVar (database versions not stated): gnomAD exomes 0.00004; ExAC 0.00013; TOPMed 0.00015; gnomAD 0.00017; 1000 Genomes Project 0.00020; 1000 Genomes Project 30x 0.00031.

Submission:

Labcorp Genetics (formerly Invitae), Labcorp
Classification: Uncertain significance. Last evaluated: 2025-09-14. Review status: criteria provided, single submitter. Criteria: Invitae Variant Classification Sherloc (09022015). Collection method: clinical testing. Allele origin: germline.
Comment: This sequence change replaces proline, which is neutral and non-polar, with serine, which is neutral and polar, at codon 336 of the FBN3 protein (p.Pro336Ser). This variant is present in population databases (rs564921061, gnomAD 0.08%), and has an allele count higher than expected for a pathogenic variant. This variant has not been reported in the literature in individuals affected with FBN3-related conditions. ClinVar contains an entry for this variant (Variation ID: 2192405). Invitae Evidence Modeling of protein sequence and biophysical properties (such as structural, functional, and spatial information, amino acid conservation, physicochemical variation, residue mobility, and thermodynamic stability) indicates that this missense variant is not expected to disrupt FBN3 protein function with a negative predictive value of 80%. In summary, the available evidence is currently insufficient to determine the role of this variant in disease. Therefore, it has been classified as a Variant of Uncertain Significance.

NM_032447.5(FBN3):c.1006C>T (p.Pro336Ser)

Gene: FBN3 (fibrillin 3; minus strand). Cytogenetic location: 19p13.2.
Variant type: single nucleotide variant.
Coding change: c.1006C>T on transcript NM_032447.5 (MANE Select); coding-DNA position 1006, C replaced by T.
Protein change: p.Pro336Ser; replaces proline 336 with serine.
Molecular consequence: missense variant.
Genome position (GRCh38, 1-based): chr19:8,138,424, G>A on the plus strand (C>T on the coding strand, the complement: FBN3 is on the minus strand). VCF-style: chr19-8138424-G-A. GRCh37 (hg19) VCF-style: chr19-8203308-G-A.
Other names: c.1006C>T, p.Pro336Ser (NM_001321431.2); short protein forms P336S.
Identifiers: ClinVar variation 2192405 (VCV002192405.4), dbSNP rs564921061, ClinGen allele CA9153514.
Genomic context (GRCh38, chr19:8,138,424, plus strand): 5'-CCTGTCCCCTCCTCACCCACAGCCCTGCAGGCTGCAGCTCTTACTCACTGGAGCCCCGAG[G>A]AGGACACAGCTCAGGGACCGGGCCAGCTGCCCAGCACCTGCCCCTGTCACAGCAGCACTG-3'
Protein context (NP_115823.3, residues 326-346): AAGPVPELCP[Pro336Ser]RGSNEFQQLC